The following is an entry in ClinVar:

NM_001347721.2(DYRK1A):c.1543A>G (p.Ser515Gly)

Gene: DYRK1A (dual specificity tyrosine phosphorylation regulated kinase 1A; plus strand). Cytogenetic location: 21q22.13.
Variant type: single nucleotide variant.
Coding change: c.1543A>G on transcript NM_001347721.2 (MANE Select); coding-DNA position 1543, A replaced by G.
Protein change: p.Ser515Gly; replaces serine 515 with glycine.
Molecular consequence: missense variant. On other transcripts: intron variant (1).
Genome position (GRCh38, 1-based): chr21:37,506,122, A>G. VCF-style: chr21-37506122-A-G. GRCh37 (hg19) VCF-style: chr21-38878425-A-G.
Other names: c.1543A>G, p.Ser515Gly (NM_001347722.2, NM_130436.2); c.1456A>G, p.Ser486Gly (NM_001347723.2); c.1570A>G, p.Ser524Gly (NM_001396.5, NM_101395.2); c.1546+533A>G (NM_130438.2); short protein forms S486G, S515G, S524G.
Identifiers: ClinVar variation 1707813 (VCV001707813.2), dbSNP rs2053588544, ClinGen allele CA409938832.

ClinVar aggregate classification (germline): Uncertain significance (1 of 4 stars; one submission).

Allele frequency attached by ClinVar (database versions not stated): gnomAD exomes below 0.00001; gnomAD 0.00001; TOPMed 0.00001.

Submission:

GeneDx
Classification: Uncertain significance. Last evaluated: 2022-03-30. Review status: criteria provided, single submitter. Criteria: GeneDx Variant Classification Process June 2021. Collection method: clinical testing. Allele origin: germline. Affected: yes.
Comment: Not observed at significant frequency in large population cohorts (gnomAD); In silico analysis supports that this missense variant does not alter protein structure/function; Has not been previously published as pathogenic or benign to our knowledge